The following is an entry in ClinVar:

NM_001267550.2(TTN):c.28049C>A (p.Ser9350Ter)

Gene: TTN (titin; minus strand). Cytogenetic location: 2q31.2.
Variant type: single nucleotide variant.
Coding change: c.28049C>A on transcript NM_001267550.2 (MANE Select); coding-DNA position 28049, C replaced by A.
Protein change: p.Ser9350Ter; replaces serine 9350 with a stop codon.
Molecular consequence: nonsense. On other transcripts: intron variant (3).
Genome position (GRCh38, 1-based): chr2:178,711,187, G>T on the plus strand (C>A on the coding strand, the complement: TTN is on the minus strand). VCF-style: chr2-178711187-G-T. GRCh37 (hg19) VCF-style: chr2-179575914-G-T.
Other names: c.27098C>A, p.Ser9033Ter (NM_001256850.1); c.24317C>A, p.Ser8106Ter (NM_133378.4); c.13282+26895C>A (NM_003319.4); c.13858+26895C>A (NM_133437.4); c.13657+26895C>A (NM_133432.3); short protein forms S9350*, S8106*, S9033*.
Identifiers: ClinVar variation 2921937 (VCV002921937.6), dbSNP rs2528811007, ClinGen allele CA349441327.

ClinVar aggregate classification (germline): Likely pathogenic. Review status: criteria provided, multiple submitters, no conflicts (2 of 4 stars). 2 submissions from 2 submitters: Likely pathogenic (2). Last evaluated 2024-01-04.

Conditions:
Dilated cardiomyopathy 1G (CMD1G). Identifiers: Orphanet 154, MedGen C1858763, MONDO:0011400, OMIM 604145.
Autosomal recessive limb-girdle muscular dystrophy type 2J (LGMDR10). Also called: MUSCULAR DYSTROPHY, LIMB-GIRDLE, AUTOSOMAL RECESSIVE 10; Limb-girdle muscular dystrophy, type 2J. Identifiers: Orphanet 140922, MedGen C1837342, MONDO:0012127, OMIM 608807.

Submissions (2):

Labcorp Genetics (formerly Invitae), Labcorp
Classification: Likely pathogenic for Dilated cardiomyopathy 1G; Autosomal recessive limb-girdle muscular dystrophy type 2J. Last evaluated: 2024-01-04. Review status: criteria provided, single submitter. Criteria: Invitae Variant Classification Sherloc (09022015). Collection method: clinical testing. Allele origin: germline.
Comment: This sequence change creates a premature translational stop signal (p.Ser9350*) in the TTN gene. While this is not anticipated to result in nonsense mediated decay, it is expected to create a truncated TTN protein. This variant is not present in population databases (gnomAD no frequency). This variant has not been reported in the literature in individuals affected with TTN-related conditions. This variant is located in the I band of TTN (PMID: 25589632). Truncating variants in this region have been reported in individuals affected with autosomal recessive centronuclear myopathy (PMID: 23975875, Invitae internal data). Truncating variants in this region have also been identified in individuals affected with autosomal dominant dilated cardiomyopathy and/or cardio-related conditions (PMID: 27869827, 32964742, Invitae internal data). In summary, the currently available evidence indicates that the variant is pathogenic, but additional data are needed to prove that conclusively. Therefore, this variant has been classified as Likely Pathogenic.

Juno Genomics, Hangzhou Juno Genomics, Inc
Classification: Likely pathogenic for Dilated cardiomyopathy 1G. Review status: criteria provided, single submitter. Criteria: ACMG Guidelines, 2015. Collection method: clinical testing. Allele origin: germline.
Comment: Absent from controls (or at extremely low frequency if recessive) in Genome Aggregation Database.;Null variant in a gene where loss of function (LOF) is a known mechanism of disease.

Literature cited by the submitters: PubMed 25589632 (cited by Labcorp Genetics (formerly Invitae), Labcorp); PubMed 23975875 (cited by Labcorp Genetics (formerly Invitae), Labcorp); PubMed 27869827 (cited by Labcorp Genetics (formerly Invitae), Labcorp); PubMed 32964742 (cited by Labcorp Genetics (formerly Invitae), Labcorp).